The following is an entry in ClinVar:

NM_133459.4(CCBE1):c.105C>G (p.Tyr35Ter)

Gene: CCBE1 (collagen and calcium binding EGF domains 1; minus strand). Cytogenetic location: 18q21.32.
Variant type: single nucleotide variant.
Coding change: c.105C>G on transcript NM_133459.4 (MANE Select); coding-DNA position 105, C replaced by G.
Protein change: p.Tyr35Ter; replaces tyrosine 35 with a stop codon.
Molecular consequence: nonsense.
Genome position (GRCh38, 1-based): chr18:59,697,238, G>C on the plus strand (C>G on the coding strand, the complement: CCBE1 is on the minus strand). VCF-style: chr18-59697238-G-C. GRCh37 (hg19) VCF-style: chr18-57364470-G-C.
Other names: short protein forms Y35*.
Identifiers: ClinVar variation 5003026 (VCV005003026.1).

ClinVar aggregate classification (germline): Likely pathogenic (1 of 4 stars; one submission).

gnomAD v4.1: 1 of 1,549,178 alleles (0.000065%); highest among the groups gnomAD compares: South Asian, 0.0012%; no homozygotes.

Submission:

OLLIN Analises Genomicas, OLLIN
Classification: Likely pathogenic. Last evaluated: 2026-08-06. Review status: criteria provided, single submitter. Criteria: ACMG Guidelines 2015 PMID 25741868. Collection method: clinical testing. Allele origin: germline.
Comment: This nonsense variant, located in exon 1 (of 11), has been observed in gnomAD with an allele frequency of 0.000062%, but has not been reported in ClinVar or identified in the literature. This variant introduces a premature stop codon, which is predicted to result in either a truncated protein or degradation of the mRNA via nonsense-mediated decay (NMD). According to the currently available evidence, this variant has been classified as likely pathogenic (PVS1, PM2_P).